The following is an entry in ClinVar:

ClinVar aggregate classification (germline): Uncertain significance. Review status: criteria provided, multiple submitters, no conflicts (2 of 4 stars). 6 submissions from 5 submitters: Uncertain significance (6). Last evaluated 2023-06-13.

Conditions:
Ullrich congenital muscular dystrophy 1A. Also called: Ullrich congenital muscular dystrophy 1; Intermediate COL6-RD. Identifiers: Orphanet 75840, MedGen C0410179, MONDO:0009681, OMIM 254090.
Bethlem myopathy 1A. Also called: MYOPATHY, BENIGN CONGENITAL, WITH CONTRACTURES; Bethlem myopathy 1; Bethlem Muscular Dystrophy. Identifiers: Orphanet 610, MedGen CN029274, MONDO:0024530, OMIM 158810.
Myosclerosis. Also called: MYOPATHY, MYOSCLEROTIC; MYOSCLEROSIS, CONGENITAL, OF LOWENTHAL; Myosclerosis, congenital. Identifiers: Orphanet 289380, MedGen C1850671, MONDO:0009714, OMIM 255600.
Collagen 6-related myopathy. Identifiers: MedGen CN117976, MONDO:0100225.

Allele frequency attached by ClinVar (database versions not stated): gnomAD exomes below 0.00001; gnomAD 0.00001; TOPMed 0.00002.
gnomAD v4.1: 27 of 1,605,978 alleles (0.0017%); highest among the groups gnomAD compares: Non-Finnish European, 0.0022%; no homozygotes.

Submissions (6):

GeneDx
Classification: Uncertain significance. Last evaluated: 2023-06-13. Review status: criteria provided, single submitter. Criteria: GeneDx Variant Classification Process June 2021. Collection method: clinical testing. Allele origin: germline. Affected: yes.
Comment: Not observed at significant frequency in large population cohorts (gnomAD); In silico analysis supports that this missense variant has a deleterious effect on protein structure/function; Reported in the published literature in an individual from the control group (individuals with Down syndrome without congenital heart defects) in a study to identify genetic factors contributing to Down syndrome associated atrioventricular septal defects (PMID: 23040494); This variant is associated with the following publications: (PMID: 23040494)

Labcorp Genetics (formerly Invitae), Labcorp
Classification: Uncertain significance for Bethlem myopathy 1A. Last evaluated: 2022-02-23. Review status: criteria provided, single submitter. Criteria: Invitae Variant Classification Sherloc (09022015). Collection method: clinical testing. Allele origin: germline.
Comment: This sequence change replaces phenylalanine, which is neutral and non-polar, with cysteine, which is neutral and slightly polar, at codon 1010 of the COL6A2 protein (p.Phe1010Cys). This variant is present in population databases (no rsID available, gnomAD 0.001%). This variant has not been reported in the literature in individuals affected with COL6A2-related conditions. ClinVar contains an entry for this variant (Variation ID: 502086). Advanced modeling of protein sequence and biophysical properties (such as structural, functional, and spatial information, amino acid conservation, physicochemical variation, residue mobility, and thermodynamic stability) performed at Invitae indicates that this missense variant is expected to disrupt COL6A2 protein function. In summary, the available evidence is currently insufficient to determine the role of this variant in disease. Therefore, it has been classified as a Variant of Uncertain Significance.

Fulgent Genetics
Classification: Uncertain significance for Bethlem myopathy 1A; Ullrich congenital muscular dystrophy 1A; Myosclerosis. Last evaluated: 2018-10-31. Review status: criteria provided, single submitter. Criteria: ACMG Guidelines, 2015. Collection method: clinical testing. Allele origin: unknown.

Eurofins Ntd Llc (ga)
Classification: Uncertain significance. Last evaluated: 2017-05-23. Review status: criteria provided, single submitter. Criteria: EGL Classification Definitions 2015. Collection method: clinical testing. Allele origin: germline. Observed: 1 variant allele, 1 heterozygote.

Illumina Laboratory Services, Illumina
Classification: Uncertain significance for Collagen VI-related myopathy. Last evaluated: 2017-04-27. Review status: criteria provided, single submitter. Criteria: ICSL Variant Classification Criteria 13 December 2019. Collection method: clinical testing. Allele origin: germline.
Comment: This variant was observed as part of a predisposition screen in an ostensibly healthy population. A literature search was performed for the gene, cDNA change, and amino acid change (where applicable). Publications were found based on this search. However, the evidence from the literature, in combination with allele frequency data from public databases where available, was not sufficient to rule this variant in or out of causing disease. Therefore, this variant is classified as a variant of unknown significance.

Illumina Laboratory Services, Illumina
Classification: Uncertain significance for Myosclerosis. Last evaluated: 2017-04-27. Review status: criteria provided, single submitter. Criteria: ICSL Variant Classification Criteria 13 December 2019. Collection method: clinical testing. Allele origin: germline.

Literature cited by the submitters: PubMed 23040494 (cited by Illumina Laboratory Services, Illumina).

NM_001849.4(COL6A2):c.3029T>G (p.Phe1010Cys)

Gene: COL6A2 (collagen type VI alpha 2 chain; plus strand). Cytogenetic location: 21q22.3.
Variant type: single nucleotide variant.
Coding change: c.3029T>G on transcript NM_001849.4 (MANE Select); coding-DNA position 3029, T replaced by G.
Protein change: p.Phe1010Cys; replaces phenylalanine 1010 with cysteine.
Molecular consequence: missense variant.
Genome position (GRCh38, 1-based): chr21:46,132,521, T>G. VCF-style: chr21-46132521-T-G. GRCh37 (hg19) VCF-style: chr21-47552435-T-G.
Other names: short protein forms F1010C.
Identifiers: ClinVar variation 502086 (VCV000502086.20), dbSNP rs1051148162, ClinGen allele CA321980381.